The following is an entry in ClinVar:

NM_058216.3(RAD51C):c.1026+5_1026+7del

Gene: RAD51C (RAD51 paralog C; plus strand). Cytogenetic location: 17q22.
Variant type: Deletion.
Coding change: c.1026+5_1026+7del on transcript NM_058216.3 (MANE Select); bases 5 to 7 of the intron after coding-DNA position 1026, 3 bases deleted (GTA; older notation c.1026+5_1026+7delGTA).
Molecular consequence: intron variant.
Genome position (GRCh38, 1-based): chr17:58,732,549-58,732,551, GTA deleted; deleting any 3 consecutive bases within chr17:58,732,548-58,732,551 gives the same sequence; the c. name uses the placement nearest the transcript's 3' end. VCF-style (leftmost placement, unchanged base first): chr17-58732547-CAGT-C. GRCh37 (hg19) VCF-style: chr17-56809908-CAGT-C.
Other names: c.1026+5_1026+7delGTA (NM_058216.2, NM_058216.3); c.1026+5_1026+7del (LRG_314t1).
Identifiers: ClinVar variation 128201 (VCV000128201.76), dbSNP rs587781410, ClinGen allele CA331897.

ClinVar aggregate classification (germline): Pathogenic/Likely pathogenic. Review status: criteria provided, multiple submitters, no conflicts (2 of 4 stars). 32 submissions from 31 submitters: Pathogenic (9); Likely pathogenic (19). 4 of the submissions do not count toward it. Last evaluated 2026-03-03.

Conditions:
Hereditary site-specific ovarian cancer syndrome. Identifiers: MedGen CN278678, MONDO:0016249.
RAD51C-related cancer predisposition. Identifiers: MedGen CN377762, MONDO:0700273.
Uterine corpus cancer. Identifiers: MedGen CN277893, MONDO:0006003.
Hereditary cancer. Identifiers: MedGen C1333600.
Inherited ovarian cancer (without breast cancer).
Inherited breast cancer and ovarian cancer.
RAD51C-related disorder. Also called: RAD51C-related disorders; RAD51C-related condition.
Breast and/or ovarian cancer. Identifiers: MedGen CN221562.
Hereditary cancer-predisposing syndrome. Also called: Hereditary neoplastic syndrome; Neoplastic Syndromes, Hereditary; Tumor predisposition; Hereditary Cancer Syndrome. Identifiers: Orphanet 140162, MedGen C0027672, MeSH D009386, MONDO:0015356.
Breast-ovarian cancer, familial, susceptibility to, 3. Also called: RAD51C-Related Breast/Ovarian Cancer. Identifiers: Orphanet 145, MedGen C3150659, MONDO:0013253, OMIM 613399.
Fanconi anemia complementation group O. Also called: RAD51C-Related Fanconi Anemia. Identifiers: Orphanet 84, MedGen C3150653, MONDO:0013248, OMIM 613390.
Hereditary breast ovarian cancer syndrome. Also called: BRCA1- and BRCA2-Associated Hereditary Breast and Ovarian Cancer; Hereditary breast and ovarian cancer syndrome; Hereditary breast and/or ovarian cancer syndrome; Hereditary breast and ovarian cancer; Hereditary breast and ovarian cancer syndrome (HBOC); Breast and ovarian cancer. Identifiers: Orphanet 145, MedGen C0677776, MeSH D061325, MONDO:0003582. Disease mechanism: loss of function.

Submissions 1 to 7 of 32:

Genomics and Molecular Medicine Service, East Genomic Laboratory Hub, NHS Genomic Medicine Service
Classification: Likely pathogenic for Inherited ovarian cancer (without breast cancer). Last evaluated: 2026-03-03. Review status: criteria provided, single submitter. Criteria: ACGS Best Practice Guidelines for Variant Classification in Rare Disease 2020. Collection method: clinical testing. Allele origin: germline. Affected: yes.
Comment: PVS1_Strong,PS4

PreventionGenetics, part of Exact Sciences
Classification: Likely pathogenic for RAD51C-related condition. Last evaluated: 2026-01-26. Review status: criteria provided, single submitter. Criteria: ACMG Guidelines, 2015. Collection method: clinical testing. Allele origin: germline.
Comment: The RAD51C c.1026+5_1026+7delGTA variant is predicted to result in an intronic deletion. This variant has been reported in multiple patients and families with hereditary breast and ovarian cancer (Loveday et al. 2012. PubMed ID: 22538716; Golmard et al. 2013. PubMed ID: 24139550; Janatova et al. 2015. PubMed ID: 26057125; Kraus et al. 2017. PubMed ID: 27616075) as well as in one presumably unaffected control (Loveday et al. 2012. PubMed ID: 22538716). Functional studies suggest that this variant alters mRNA splicing and may lead to premature termination of the protein (Janatova et al. 2015. PubMed ID: 26057125; Kraus et al. 2017. PubMed ID: 27616075). This variant is reported in 0.0026% of alleles in individuals of European (Non-Finnish) descent in gnomAD and is interpreted as pathogenic/likely pathogenic in ClinVar (Variation ID: 128201). This variant is interpreted as likely pathogenic.

Labcorp Genetics (formerly Invitae), Labcorp
Classification: Likely pathogenic for Fanconi anemia complementation group O. Last evaluated: 2026-01-19. Review status: criteria provided, single submitter. Criteria: Invitae Variant Classification Sherloc (09022015). Collection method: clinical testing. Allele origin: germline.
Comment: This sequence change falls in intron 8 of the RAD51C gene. It does not directly change the encoded amino acid sequence of the RAD51C protein. RNA analysis indicates that this variant induces altered splicing and likely disrupts the C-terminus of the protein. This variant is present in population databases (rs747311993, gnomAD 0.003%). This variant has been observed in individual(s) with breast cancer, ovarian cancer, kidney cancer, and uterine cancer (PMID: 22538716, 24139550, 26057125, 27616075, 29255180, 29978187, 30086788, 30257646, 30374176, 31882575). ClinVar contains an entry for this variant (Variation ID: 128201). Variants that disrupt the consensus splice site are a relatively common cause of aberrant splicing (PMID: 17576681, 9536098). Studies have shown that this variant results in exon 8 skipping and retention of intron 8 and introduces a new termination codon (PMID: 24139550, 26057125, 28905878, 31843900; internal data). However the mRNA is not expected to undergo nonsense-mediated decay. This variant disrupts the C-terminus of the RAD51C protein, which contains a signal required for nuclear localization (PMID:12966089). While functional studies have not been performed to directly test the effect of this variant on RAD51C protein function, this suggests that disruption of this region of the protein is causative of disease. In summary, the currently available evidence indicates that the variant is pathogenic, but additional data are needed to prove that conclusively. Therefore, this variant has been classified as Likely Pathogenic.

Color Diagnostics, LLC DBA Color Health
Classification: Pathogenic for Hereditary cancer-predisposing syndrome. Last evaluated: 2025-11-24. Review status: criteria provided, single submitter. Criteria: ACMG Guidelines, 2015. Collection method: clinical testing. Allele origin: germline.
Comment: This variant causes a 3-basepair deletion at the +5 to +7 positions in intron 8 of the RAD51C gene. Splice site prediction tools predict that this variant may have a significant impact on RNA splicing. RNA studies have reported this variant to cause the skipping of exon 8 by RT-PCR of patient derived total RNA, resulting in frameshift and premature translation stop signal (PMID: 24139550, 26057125, 27616075, 28905878, 31843900). This aberrant transcript is expected to escape nonsense-mediated decay and be expressed as a truncated protein lacking the functionally important nuclear localization signal (a.a. 366-370), which is required for nuclear localization and robust DNA damage response of the RAD51C protein (PMID: 12966089). This variant has been reported in four individuals affected with ovarian cancer (PMID: 24139550, 26057125, 31882575, 32957588), at least five individuals affected with breast cancer (PMID: 22538716, 27616075, 29255180, 30086788, 30257646, 32854451), as well as one individual with renal cell carcinoma (PMID: 29978187). This variant has also been identified in 3/251392 chromosomes in the general population by the Genome Aggregation Database (gnomAD). Loss of RAD51C function is a known mechanism of disease. Based on the available evidence, this variant is classified as Pathogenic.

Genetics Laboratory, Great Ormond Street Hospital NHS Foundation Trust, North Thames Genomic Laboratory Hub
Classification: Likely pathogenic for Inherited breast cancer and ovarian cancer. Last evaluated: 2025-11-17. Review status: criteria provided, single submitter. Criteria: CanVIG RAD51CD Gene Specific V1.2. Collection method: clinical testing. Allele origin: germline. Affected: yes.
Comment: PS4_strong, PVS1_strong

Ambry Genetics
Classification: Likely pathogenic for Hereditary cancer-predisposing syndrome. Last evaluated: 2025-09-19. Review status: criteria provided, single submitter. Criteria: Ambry Variant Classification Scheme 2023. Collection method: clinical testing. Allele origin: germline.
Comment: The c.1026+5_1026+7delGTA intronic variant results from a deletion of 3 nucleotides from the +5 to +7 positions after coding exon 8 in the RAD51C gene. This alteration has been identified in high-risk breast and ovarian cancer families (Loveday C et al. Nat. Genet. 2012 May;44:475-6; Golmard L et al. BMC Cancer. 2013 Oct;13:484; Janatova M et al. PLoS One. 2015 Jun;10:e0127711; Susswein LR et al. Genet Med, 2016 08;18:823-32; Golmard L et al. Eur J Hum Genet, 2017 12;25:1345-1353; Penkert J et al. Breast Cancer Res, 2018 08;20:87; Hoyer J et al. BMC Cancer, 2018 Sep;18:926; Jarhelle E et al. Sci Rep, 2019 12;9:19986; Fanale D et al. Cancers (Basel), 2020 Aug;12). In silico splice site analysis predicts that this alteration will weaken the native splice donor site and multiple studies have demonstrated exon 8 skipping associated with this allele (Golmard L et al. BMC Cancer. 2013 Oct;13:484; Janatova M et al. PLoS One. 2015 Jun;10:e0127711; Casadei S et al. Proc Natl Acad Sci U S A, 2019 Dec; Sanoguera-Miralles L et al. Cancers (Basel), 2020 Dec;12; Ambry internal data). The deleted region is highly conserved in available vertebrate species. Based on the majority of available evidence to date, this variant is likely to be pathogenic.

German Consortium for Hereditary Breast and Ovarian Cancer, University Hospital Cologne
Classification: Likely pathogenic for Hereditary breast ovarian cancer syndrome. Last evaluated: 2025-08-12. Review status: criteria provided, single submitter. Criteria: ACMG Guidelines, 2015. Collection method: curation. Allele origin: germline.
Comment: This classification follows the ACMG SVI adaptation classification scheme; We chose these criteria: PVS1 (strong pathogenic): PVS1_RNA: Sanoguera-Miralles (2020, PMID: 33333735): Δ(E8): 79.5% ± 1.4% (out-of-frame = r.966_1026del p.(Arg322Serfs*22)) + Δ(E8q18):13.8% ± 0.7% (in frame); onsense-mediated decay is not expected to result from this variant, but it disrupts the C-terminus of the RAD51C protein, which leads to a removal of the nuclear localization signal that can cause cellular mislocalization (French 2003, PMID: 12966089), PS4 (medium pathogenic): This variant has been reported in four individuals affected with ovarian cancer (PMID: 24139550, 26057125, 31882575, 32957588), at least five individuals affected with breast cancer (PMID: 22538716, 27616075, 29255180, 30086788, 30257646, 32854451), as well as one individual with renal cell carcinoma (PMID: 29978187)